The following is an entry in ClinVar:

NM_020708.5(SLC12A5):c.418T>C (p.Cys140Arg)

Gene: SLC12A5 (solute carrier family 12 member 5; plus strand). Cytogenetic location: 20q13.12.
Variant type: single nucleotide variant.
Coding change: c.418T>C on transcript NM_020708.5 (MANE Select); coding-DNA position 418, T replaced by C.
Protein change: p.Cys140Arg; replaces cysteine 140 with arginine.
Molecular consequence: missense variant.
Genome position (GRCh38, 1-based): chr20:46,035,915, T>C. VCF-style: chr20-46035915-T-C. GRCh37 (hg19) VCF-style: chr20-44664554-T-C.
Other names: c.487T>C, p.Cys163Arg (NM_001134771.2); short protein forms C163R, C140R.
Identifiers: ClinVar variation 1350295 (VCV001350295.8), dbSNP rs2145482936, ClinGen allele CA409187776.
Genomic context (GRCh38, chr20:46,035,915, plus strand): 5'-CTCACCTGGGTGGTGGGCATTGCAGGCATCATGGAGTCCTTCTGCATGGTGTTCATCTGC[T>C]GCTCCTGTGTGAGTGACACCCCTCCCCTCACCACCCCCTGACAGCTGGGGCTTGGCAGAG-3'
Protein context (NP_065759.1, residues 130-150): MESFCMVFIC[Cys140Arg]SCTMLTAISM

ClinVar aggregate classification (germline): Uncertain significance (1 of 4 stars; one submission).

Conditions:
Developmental and epileptic encephalopathy, 34 (DEE34). Also called: Early infantile epileptic encephalopathy 34; SLC12A5-Related Epilepsy of Infancy with Migrating Focal Seizures. Identifiers: Orphanet 293181, MedGen C4225257, MONDO:0014718, OMIM 616645.

Submission:

Labcorp Genetics (formerly Invitae), Labcorp
Classification: Uncertain significance for Developmental and epileptic encephalopathy, 34. Last evaluated: 2021-04-30. Review status: criteria provided, single submitter. Criteria: Invitae Variant Classification Sherloc (09022015). Collection method: clinical testing. Allele origin: germline.
Comment: Advanced modeling of protein sequence and biophysical properties (such as structural, functional, and spatial information, amino acid conservation, physicochemical variation, residue mobility, and thermodynamic stability) performed at Invitae indicates that this missense variant is expected to disrupt SLC12A5 protein function. This sequence change replaces cysteine with arginine at codon 140 of the SLC12A5 protein (p.Cys140Arg). The cysteine residue is highly conserved and there is a large physicochemical difference between cysteine and arginine. This variant is not present in population databases (ExAC no frequency). This variant has not been reported in the literature in individuals with SLC12A5-related conditions. In summary, the available evidence is currently insufficient to determine the role of this variant in disease. Therefore, it has been classified as a Variant of Uncertain Significance.